The following is an entry in ClinVar:

ClinVar aggregate classification (germline): Benign. Review status: criteria provided, multiple submitters, no conflicts (2 of 4 stars). 7 submissions from 7 submitters: Benign (7). Last evaluated 2026-01-28.

Conditions:
Hereditary spastic paraplegia. Also called: Familial spastic paraparesis. Identifiers: Orphanet 685, MedGen C0037773, MONDO:0019064. Disease mechanism: loss of function.
Hereditary spastic paraplegia 7 (SPG7). Also called: SPG7-related neurologic disorder; Spastic paraplegia 7; Hereditary spastic paraplegia Paraplegin type; Autosomal recessive spastic paraplegia type 7; SPASTIC PARAPLEGIA 7, AUTOSOMAL RECESSIVE, WITH OR WITHOUT CEREBELLAR ATAXIA. Identifiers: Orphanet 99013, MedGen C1846564, MONDO:0011803, OMIM 607259.

Allele frequency attached by ClinVar (database versions not stated): ExAC 0.00533; gnomAD 0.01698 and 0.01823; TOPMed 0.01875; 1000 Genomes Project 0.01478; 1000 Genomes Project 30x 0.01593; ESP Exome Variant Server 0.01962.
gnomAD v4.1: 4,788 of 1,611,806 alleles (0.3%); highest among the groups gnomAD compares: African/African-American, 5.6%; 143 homozygotes.

Submissions (7):

Labcorp Genetics (formerly Invitae), Labcorp
Classification: Benign for Hereditary spastic paraplegia 7. Last evaluated: 2026-01-28. Review status: criteria provided, single submitter. Criteria: Invitae Variant Classification Sherloc (09022015). Collection method: clinical testing. Allele origin: germline.

Genome Diagnostics Laboratory, The Hospital for Sick Children
Classification: Benign for Hereditary spastic paraplegia. Last evaluated: 2019-06-01. Review status: criteria provided, single submitter. Criteria: ACMG Guidelines, 2015. Collection method: clinical testing. Allele origin: germline. Affected: yes.

Athena Diagnostics
Classification: Benign. Last evaluated: 2018-03-05. Review status: criteria provided, single submitter. Criteria: Athena Diagnostics Criteria. Collection method: clinical testing. Allele origin: germline.

Illumina Laboratory Services, Illumina
Classification: Benign for Hereditary spastic paraplegia 7. Last evaluated: 2018-01-12. Review status: criteria provided, single submitter. Criteria: ICSL Variant Classification Criteria 13 December 2019. Collection method: clinical testing. Allele origin: germline.
Comment: This variant was observed in the ICSL laboratory as part of a predisposition screen in an ostensibly healthy population. It had not been previously curated by ICSL or reported in the Human Gene Mutation Database (HGMD: prior to June 1st, 2018), and was therefore a candidate for classification through an automated scoring system. Utilizing variant allele frequency, disease prevalence and penetrance estimates, and inheritance mode, an automated score was calculated to assess if this variant is too frequent to cause the disease. Based on the score and internal cut-off values, a variant classified as benign is not then subjected to further curation. The score for this variant resulted in a classification of benign for this disease.

Mayo Clinic Laboratories, Mayo Clinic
Classification: Benign. Last evaluated: 2018-01-10. Review status: criteria provided, single submitter. Criteria: ACMG Guidelines, 2015. Collection method: clinical testing. Allele origin: germline. Observed: 26 variant alleles.

GeneDx
Classification: Benign. Last evaluated: 2014-04-17. Review status: criteria provided, single submitter. Criteria: GeneDx Variant Classification (06012015). Collection method: clinical testing. Allele origin: germline. Affected: yes.
Comment: This variant is considered likely benign or benign based on one or more of the following criteria: it is a conservative change, it occurs at a poorly conserved position in the protein, it is predicted to be benign by multiple in silico algorithms, and/or has population frequency not consistent with disease.

Breakthrough Genomics
Classification: Benign. Review status: criteria provided, single submitter. Criteria: ACMG Guidelines, 2015. Collection method: not provided. Allele origin: germline. Inheritance: Autosomal recessive inheritance. Affected: yes.

NM_003119.4(SPG7):c.1770C>T (p.Ala590=)

Gene: SPG7 (SPG7 matrix AAA peptidase subunit, paraplegin; plus strand). Cytogenetic location: 16q24.3.
Variant type: single nucleotide variant.
Coding change: c.1770C>T on transcript NM_003119.4 (MANE Select); coding-DNA position 1770, C replaced by T.
Protein change: p.Ala590=; no amino-acid change (alanine 590 retained).
Molecular consequence: synonymous variant.
Genome position (GRCh38, 1-based): chr16:89,550,600, C>T. VCF-style: chr16-89550600-C-T. GRCh37 (hg19) VCF-style: chr16-89617008-C-T.
Other names: p.A590A:GCC>GCT; p.Ala590=; c.1770C>T, p.Ala590= (NM_001363850.1).
Identifiers: ClinVar variation 139245 (VCV000139245.21), dbSNP rs60488729, ClinGen allele CA293670.